The following is an entry in ClinVar:

ClinVar aggregate classification (germline): Conflicting classifications of pathogenicity. Review status: criteria provided, conflicting classifications (1 of 4 stars). 3 submissions from 3 submitters: Uncertain significance (1); Likely benign (1). 1 of the submissions does not count toward it. Last evaluated 2026-01-19.

Conditions:
Cardiovascular phenotype. Identifiers: MedGen CN230736.
Duchenne muscular dystrophy (DMD). Also called: MUSCULAR DYSTROPHY, PSEUDOHYPERTROPHIC PROGRESSIVE, DUCHENNE TYPE; Duchenne Muscular Dystrophy (DMD). Identifiers: Orphanet 98896, MedGen C0013264, MONDO:0010679, OMIM 310200.
Dystrophin deficiency.
Becker muscular dystrophy (BMD). Also called: MUSCULAR DYSTROPHY, PSEUDOHYPERTROPHIC PROGRESSIVE, BECKER TYPE; Becker Muscular Dystrophy (BMD). Identifiers: Orphanet 98895, MedGen C0917713, MONDO:0010311, OMIM 300376.
Cardiomyopathy (CMYO). Also called: Cardiomyopathies. Identifiers: Orphanet 167848, MedGen C0878544, MONDO:0004994, HP:0001638. Inheritance: Various modes of inheritance.

Allele frequency attached by ClinVar (database versions not stated): gnomAD exomes below 0.00001 and 0.00002; gnomAD 0.00001 and 0.00003; ExAC 0.00003; TOPMed 0.00003.
gnomAD v4.1: 6 of 1,205,859 alleles (0.0005%); highest among the groups gnomAD compares: East Asian, 0.018%; no homozygotes.

Submissions (3):

Labcorp Genetics (formerly Invitae), Labcorp
Classification: Likely benign for Duchenne muscular dystrophy. Last evaluated: 2026-01-19. Review status: criteria provided, single submitter. Criteria: Invitae Variant Classification Sherloc (09022015). Collection method: clinical testing. Allele origin: germline.

Ambry Genetics
Classification: Uncertain significance for Cardiovascular phenotype. Last evaluated: 2024-12-30. Review status: criteria provided, single submitter. Criteria: Ambry Variant Classification Scheme 2023. Collection method: clinical testing. Allele origin: germline.
Comment: The p.A1065P variant (also known as c.3193G>C), located in coding exon 24 of the DMD gene, results from a G to C substitution at nucleotide position 3193. The alanine at codon 1065 is replaced by proline, an amino acid with highly similar properties. Based on data from gnomAD, the C allele has an overall frequency of 0.0024% (5/205010) total alleles studied, with 2 hemizygote(s) observed. The highest observed frequency was 0.0337% (5/14837) of East Asian alleles. This amino acid position is well conserved in available vertebrate species. In addition, this alteration is predicted to be tolerated by in silico analysis. Based on the available evidence, the clinical significance of this variant remains unclear.

Natera, Inc.
Classification: Uncertain significance for Becker muscular dystrophy; Cardiomyopathy; Duchenne muscular dystrophy; Dystrophin deficiency. Last evaluated: 2020-01-24. Review status: no assertion criteria provided. Collection method: clinical testing. Allele origin: germline. Not counted in ClinVar's aggregate classification.

NM_004006.3(DMD):c.3193G>C (p.Ala1065Pro)

Gene: DMD (dystrophin; minus strand). Cytogenetic location: Xp21.1.
Variant type: single nucleotide variant.
Coding change: c.3193G>C on transcript NM_004006.3 (MANE Select); coding-DNA position 3193, G replaced by C.
Protein change: p.Ala1065Pro; replaces alanine 1065 with proline.
Molecular consequence: missense variant.
Genome position (GRCh38, 1-based): chrX:32,464,669, C>G on the plus strand (G>C on the coding strand, the complement: DMD is on the minus strand). VCF-style: chrX-32464669-C-G. GRCh37 (hg19) VCF-style: chrX-32482786-C-G.
Other names: c.3169G>C, p.Ala1057Pro (NM_000109.4); c.3181G>C, p.Ala1061Pro (NM_004009.3); c.2824G>C, p.Ala942Pro (NM_004010.3); short protein forms A1057P, A942P, A1061P, A1065P.
Identifiers: ClinVar variation 967009 (VCV000967009.11), dbSNP rs774756042, ClinGen allele CA10379329.